The following is an entry in ClinVar:

NM_000322.5(PRPH2):c.808CTC[1] (p.Leu271del)

Gene: PRPH2 (peripherin 2; minus strand). Cytogenetic location: 6p21.1.
Variant type: Microsatellite.
Coding change: c.808CTC[1] on transcript NM_000322.5 (MANE Select); one copy of the 3-base unit CTC starting at c.808; the reference has two copies in a row; one copy, 3 bases deleted; also written c.811_813del.
Protein change: p.Leu271del; deletes leucine 271.
Molecular consequence: inframe deletion.
Genome position (GRCh38, 1-based): chr6:42,704,380-42,704,382, GAG deleted on the plus strand (CTC on the coding strand, the reverse complement: PRPH2 is on the minus strand); deleting any 3 consecutive bases within chr6:42,704,380-42,704,385 gives the same sequence; the position shown is the placement nearest the transcript's 3' end. VCF-style (leftmost placement, unchanged base first): chr6-42704379-TGAG-T. GRCh37 (hg19) VCF-style: chr6-42672117-TGAG-T.
Other names: c.811_813delCTC (NM_000322.5); c.811_813del (NM_000322.5, NM_000322.4); short protein forms L271del.
Identifiers: ClinVar variation 812384 (VCV000812384.15), dbSNP rs1582764519, ClinGen allele CA915944252.

ClinVar aggregate classification (germline): Conflicting classifications of pathogenicity. Review status: criteria provided, conflicting classifications (1 of 4 stars). 5 submissions from 5 submitters: Pathogenic (1); Likely pathogenic (1); Uncertain significance (2). 1 of the submissions does not count toward it. Last evaluated 2025-09-02.

Conditions:
Vitelliform macular dystrophy 2. Also called: MACULAR DEGENERATION, POLYMORPHIC VITELLINE; VITELLIFORM MACULAR DYSTROPHY, EARLY-ONSET; VITELLIFORM MACULAR DYSTROPHY, JUVENILE-ONSET; Best vitelliform macular dystrophy, multifocal; Best Macular Dystrophy; Best Vitelliform Macular Dystrophy (BVMD). Identifiers: Orphanet 1243, MedGen C2745945, MONDO:0007931, OMIM 153700.
PRPH2-related disorder. Also called: PRPH2-related condition; PRPH2-related disorders. Identifiers: MedGen CN239395.
Retinitis pigmentosa (RP). Identifiers: Orphanet 791, MedGen C0035334, MeSH D012174, MONDO:0019200, OMIM 268000. Inheritance: Autosomal dominant, autosomal recessive and X linked inheritance.
Retinal dystrophy. Also called: Inherited retinal dystrophy. Identifiers: Orphanet 71862, MedGen C0854723, MeSH D058499, MONDO:0019118, HP:0000556.

Submissions (5):

Labcorp Genetics (formerly Invitae), Labcorp
Classification: Pathogenic for PRPH2-related disorder. Last evaluated: 2025-09-02. Review status: criteria provided, single submitter. Criteria: Invitae Variant Classification Sherloc (09022015). Collection method: clinical testing. Allele origin: germline.
Comment: This variant, c.811_813del, results in the deletion of 1 amino acid(s) of the PRPH2 protein (p.Leu271del), but otherwise preserves the integrity of the reading frame. This variant is not present in population databases (gnomAD no frequency). This variant has been observed in individuals with autosomal dominant inherited retinal dystrophy (PMID: 18310263, 38743414; internal data). It has also been observed to segregate with disease in related individuals. ClinVar contains an entry for this variant (Variation ID: 812384). For these reasons, this variant has been classified as Pathogenic.

Dept Of Ophthalmology, Nagoya University
Classification: Uncertain significance for Retinal dystrophy. Last evaluated: 2023-10-01. Review status: criteria provided, single submitter. Criteria: Submitter's publication. Collection method: research. Allele origin: germline. Affected: yes.

Blueprint Genetics
Classification: Likely pathogenic for PRPH2-related disorders. Last evaluated: 2022-09-19. Review status: criteria provided, single submitter. Criteria: ACMG Guidelines, 2015. Collection method: clinical testing. Allele origin: germline. Affected: yes. Observed: 3 variant alleles.

NEI Ophthalmic Genomics Laboratory, National Institutes of Health
Classification: Uncertain significance for Vitelliform macular dystrophy 2. Last evaluated: 2020-01-07. Review status: criteria provided, single submitter. Criteria: ACMG Guidelines, 2015. Collection method: clinical testing. Allele origin: germline. Affected: yes.
Comment: The variant NM_000322.4:c.811_813delCTC in the PRPH2 gene has been previously studied(PMID 18310263). This variant is not listed in dbSNP and/or HGMD. It is absent in gnomAD browser. It is not enriched in the PRPH2 disease cohort. We invoked ACMG criteria [PM2, PM4] and classified NM_000322.4:c.811_813delCTC in the PRPH2 gene as a Variant of Uncertain Significance.

Sharon lab, Hadassah-Hebrew University Medical Center
Classification: Pathogenic for Retinitis pigmentosa. Last evaluated: 2019-06-23. Review status: no assertion criteria provided. Collection method: research. Allele origin: inherited. Affected: yes. Not counted in ClinVar's aggregate classification.

Literature cited by the submitters: PubMed 18310263 (cited by Labcorp Genetics (formerly Invitae), Labcorp); PubMed 38743414 (cited by Labcorp Genetics (formerly Invitae), Labcorp).